The following is an entry in ClinVar:

ClinVar aggregate classification (germline): Uncertain significance (1 of 4 stars; one submission).

Submission:

GeneDx
Classification: Uncertain significance. Last evaluated: 2020-11-03. Review status: criteria provided, single submitter. Criteria: GeneDx Variant Classification Process June 2021. Collection method: clinical testing. Allele origin: germline. Affected: yes.
Comment: Not observed in large population cohorts (Lek et al., 2016); Has not been previously published as pathogenic or benign to our knowledge; In silico analysis supports that this missense variant has a deleterious effect on protein structure/function

NM_005276.4(GPD1):c.917T>G (p.Leu306Arg)

Gene: GPD1 (glycerol-3-phosphate dehydrogenase 1; plus strand). Cytogenetic location: 12q13.12.
Variant type: single nucleotide variant.
Coding change: c.917T>G on transcript NM_005276.4 (MANE Select); coding-DNA position 917, T replaced by G.
Protein change: p.Leu306Arg; replaces leucine 306 with arginine.
Molecular consequence: missense variant.
Genome position (GRCh38, 1-based): chr12:50,108,094, T>G. VCF-style: chr12-50108094-T-G. GRCh37 (hg19) VCF-style: chr12-50501877-T-G.
Other names: c.848T>G, p.Leu283Arg (NM_001257199.2); short protein forms L283R, L306R.
Identifiers: ClinVar variation 1309294 (VCV001309294.2), dbSNP rs754343588, ClinGen allele CA384802816.